The following is an entry in ClinVar:

NM_001999.4(FBN2):c.8347G>C (p.Glu2783Gln)

Gene: FBN2 (fibrillin 2; minus strand). Cytogenetic location: 5q23.3.
Variant type: single nucleotide variant.
Coding change: c.8347G>C on transcript NM_001999.4 (MANE Select); coding-DNA position 8347, G replaced by C.
Protein change: p.Glu2783Gln; replaces glutamic acid 2783 with glutamine.
Molecular consequence: missense variant.
Genome position (GRCh38, 1-based): chr5:128,261,753, C>G on the plus strand (G>C on the coding strand, the complement: FBN2 is on the minus strand). VCF-style: chr5-128261753-C-G. GRCh37 (hg19) VCF-style: chr5-127597445-C-G.
Other names: p.Glu2783Gln; short protein forms E2783Q.
Identifiers: ClinVar variation 129054 (VCV000129054.72), dbSNP rs76756898, ClinGen allele CA288845.

ClinVar aggregate classification (germline): Benign/Likely benign. Review status: criteria provided, multiple submitters, no conflicts (2 of 4 stars). 11 submissions from 11 submitters: Benign (7); Likely benign (3). 1 of the submissions does not count toward it. Last evaluated 2026-02-02.

Conditions:
Familial thoracic aortic aneurysm and aortic dissection (TAAD). Also called: Thoracic aortic aneurysms and dissections. Identifiers: Orphanet 91387, MedGen C4707243, MONDO:0019625.
Congenital contractural arachnodactyly (CCA). Also called: Arthrogryposis, distal, type 9; Beals-Hecht syndrome; BEALS SYNDROME. Identifiers: Orphanet 115, MedGen C0220668, MONDO:0007363, OMIM 121050.
Connective tissue disorder. Also called: Connective tissue disease. Identifiers: MedGen C0009782, MONDO:0003900.

Allele frequency attached by ClinVar (database versions not stated): gnomAD exomes 0.00134; ExAC 0.00177; 1000 Genomes Project 30x 0.00547; gnomAD 0.00579 and 0.00599; ESP Exome Variant Server 0.00600; TOPMed 0.00600; 1000 Genomes Project 0.00639.
gnomAD v4.1: 1,810 of 1,614,194 alleles (0.11%); highest among the groups gnomAD compares: African/African-American, 1.9%; 27 homozygotes.

Submissions (11):

Labcorp Genetics (formerly Invitae), Labcorp
Classification: Benign for Congenital contractural arachnodactyly. Last evaluated: 2026-02-02. Review status: criteria provided, single submitter. Criteria: Invitae Variant Classification Sherloc (09022015). Collection method: clinical testing. Allele origin: germline.

Blueprint Genetics
Classification: Likely benign. Last evaluated: 2024-11-26. Review status: criteria provided, single submitter. Criteria: ACMG Guidelines, 2015. Collection method: clinical testing. Allele origin: germline.

Mayo Clinic Laboratories, Mayo Clinic
Classification: Benign. Last evaluated: 2024-10-09. Review status: criteria provided, single submitter. Criteria: ACMG Guidelines, 2015. Collection method: clinical testing. Allele origin: germline. Observed: 6 variant alleles.
Comment: BS1, BS2, BP4

ARUP Laboratories, Molecular Genetics and Genomics, ARUP Laboratories
Classification: Benign. Last evaluated: 2024-03-26. Review status: criteria provided, single submitter. Criteria: ARUP Molecular Germline Variant Investigation Process 2024. Collection method: clinical testing. Allele origin: germline.

Women's Health and Genetics/Laboratory Corporation of America, LabCorp
Classification: Likely benign. Last evaluated: 2023-07-21. Review status: criteria provided, single submitter. Criteria: LabCorp Variant Classification Summary - May 2015. Collection method: clinical testing. Allele origin: germline.

Genome Diagnostics Laboratory, The Hospital for Sick Children
Classification: Likely benign for Connective tissue disorder. Last evaluated: 2022-02-10. Review status: criteria provided, single submitter. Criteria: ACMG Guidelines, 2015. Collection method: clinical testing. Allele origin: germline.

Illumina Laboratory Services, Illumina
Classification: Benign for Congenital contractural arachnodactyly. Last evaluated: 2018-01-13. Review status: criteria provided, single submitter. Criteria: ICSL Variant Classification Criteria 13 December 2019. Collection method: clinical testing. Allele origin: germline.
Comment: This variant was observed in the ICSL laboratory as part of a predisposition screen in an ostensibly healthy population. It had not been previously curated by ICSL or reported in the Human Gene Mutation Database (HGMD: prior to June 1st, 2018), and was therefore a candidate for classification through an automated scoring system. Utilizing variant allele frequency, disease prevalence and penetrance estimates, and inheritance mode, an automated score was calculated to assess if this variant is too frequent to cause the disease. Based on the score and internal cut-off values, a variant classified as benign is not then subjected to further curation. The score for this variant resulted in a classification of benign for this disease.

Ambry Genetics
Classification: Benign for Familial thoracic aortic aneurysm and aortic dissection. Last evaluated: 2015-12-26. Review status: criteria provided, single submitter. Criteria: Ambry Variant Classification Scheme 2023. Collection method: clinical testing. Allele origin: germline.

GeneDx
Classification: Benign. Last evaluated: 2014-10-21. Review status: criteria provided, single submitter. Criteria: GeneDx Variant Classification (06012015). Collection method: clinical testing. Allele origin: germline. Affected: yes.
Comment: This variant is considered likely benign or benign based on one or more of the following criteria: it is a conservative change, it occurs at a poorly conserved position in the protein, it is predicted to be benign by multiple in silico algorithms, and/or has population frequency not consistent with disease.

PreventionGenetics, part of Exact Sciences
Classification: Benign. Review status: criteria provided, single submitter. Criteria: ACMG Guidelines, 2015. Collection method: clinical testing. Allele origin: germline.

Genetic Services Laboratory, University of Chicago
Classification: Likely benign for AllHighlyPenetrant. Review status: no assertion criteria provided. Collection method: clinical testing. Allele origin: germline. Inheritance: Autosomal dominant inheritance. Not counted in ClinVar's aggregate classification.
Comment: Likely benign based on allele frequency in 1000 Genomes Project or ESP global frequency and its presence in a patient with a rare or unrelated disease phenotype. NOT Sanger confirmed.